The following is an entry in ClinVar:

ClinVar aggregate classification (germline): Benign/Likely benign. Review status: criteria provided, multiple submitters, no conflicts (2 of 4 stars). 3 submissions from 3 submitters: Benign (1); Likely benign (1). 1 of the submissions does not count toward it. Last evaluated 2026-01-05.

Conditions:
KMT2A-related disorder. Also called: KMT2A-related condition.

Allele frequency attached by ClinVar (database versions not stated): gnomAD 0.00003 and 0.00007; TOPMed 0.00006; gnomAD exomes 0.00014 and 0.00019; ExAC 0.00053.
gnomAD v4.1: 204 of 1,528,936 alleles (0.013%); highest among the groups gnomAD compares: East Asian, 0.52%; no homozygotes.

Submissions (3):

Labcorp Genetics (formerly Invitae), Labcorp
Classification: Likely benign. Last evaluated: 2026-01-05. Review status: criteria provided, single submitter. Criteria: Invitae Variant Classification Sherloc (09022015). Collection method: clinical testing. Allele origin: germline.

GeneDx
Classification: Benign. Last evaluated: 2020-02-27. Review status: criteria provided, single submitter. Criteria: GeneDx Variant Classification Process June 2021. Collection method: clinical testing. Allele origin: germline. Affected: yes.

PreventionGenetics, part of Exact Sciences
Classification: Likely benign for KMT2A-related condition. Last evaluated: 2019-05-28. Review status: no assertion criteria provided. Collection method: clinical testing. Allele origin: germline. Not counted in ClinVar's aggregate classification.
Comment: This variant is classified as likely benign based on ACMG/AMP sequence variant interpretation guidelines (Richards et al. 2015 PMID: 25741868, with internal and published modifications).

NM_001197104.2(KMT2A):c.218G>A (p.Gly73Glu)

Gene: KMT2A (lysine methyltransferase 2A; plus strand). Cytogenetic location: 11q23.3.
Variant type: single nucleotide variant.
Coding change: c.218G>A on transcript NM_001197104.2 (MANE Select); coding-DNA position 218, G replaced by A.
Protein change: p.Gly73Glu; replaces glycine 73 with glutamic acid.
Molecular consequence: missense variant.
Genome position (GRCh38, 1-based): chr11:118,436,730, G>A. VCF-style: chr11-118436730-G-A. GRCh37 (hg19) VCF-style: chr11-118307445-G-A.
Other names: c.218G>A, p.Gly73Glu (NM_005933.4); short protein forms G73E.
Identifiers: ClinVar variation 752822 (VCV000752822.11), dbSNP rs782233787, ClinGen allele CA6303210.